The following is an entry in ClinVar:

NM_004519.4(KCNQ3):c.414T>G (p.Ile138Met)

Gene: KCNQ3 (potassium voltage-gated channel subfamily Q member 3; minus strand). Cytogenetic location: 8q24.22.
Variant type: single nucleotide variant.
Coding change: c.414T>G on transcript NM_004519.4 (MANE Select); coding-DNA position 414, T replaced by G.
Protein change: p.Ile138Met; replaces isoleucine 138 with methionine.
Molecular consequence: missense variant.
Genome position (GRCh38, 1-based): chr8:132,186,154, A>C on the plus strand (T>G on the coding strand, the complement: KCNQ3 is on the minus strand). VCF-style: chr8-132186154-A-C. GRCh37 (hg19) VCF-style: chr8-133198401-A-C.
Other names: c.54T>G, p.Ile18Met (NM_001204824.2); short protein forms I138M, I18M.
Identifiers: ClinVar variation 5017718 (VCV005017718.1).

ClinVar aggregate classification (germline): Uncertain significance (1 of 4 stars; one submission).

Submission:

GeneDx
Classification: Uncertain significance. Last evaluated: 2026-03-27. Review status: criteria provided, single submitter. Criteria: GeneDx Variant Classification Process June 2021. Collection method: clinical testing. Allele origin: germline.
Comment: Not observed at significant frequency in large population cohorts (gnomAD); In silico analysis suggests that this missense variant does not alter protein structure/function; Has not been previously published as pathogenic or benign to our knowledge